The following is an entry in ClinVar:

NM_000260.4(MYO7A):c.1239G>A (p.Lys413=)

Gene: MYO7A (myosin VIIA; plus strand). Cytogenetic location: 11q13.5.
Variant type: single nucleotide variant.
Coding change: c.1239G>A on transcript NM_000260.4 (MANE Select); coding-DNA position 1239, G replaced by A.
Protein change: p.Lys413=; no amino-acid change (lysine 413 retained).
Molecular consequence: synonymous variant.
Genome position (GRCh38, 1-based): chr11:77,161,011, G>A. VCF-style: chr11-77161011-G-A. GRCh37 (hg19) VCF-style: chr11-76872057-G-A.
Other names: c.1239G>A, p.Lys413= (NM_001127180.2); c.1206G>A, p.Lys402= (NM_001369365.1).
Identifiers: ClinVar variation 514418 (VCV000514418.12), dbSNP rs782729773, ClinGen allele CA6197434.

ClinVar aggregate classification (germline): Likely benign. Review status: criteria provided, multiple submitters, no conflicts (2 of 4 stars). 3 submissions from 3 submitters: Likely benign (3). Last evaluated 2024-06-13.

Allele frequency attached by ClinVar (database versions not stated): gnomAD exomes 0.00001 and 0.00004; gnomAD 0.00002; ExAC 0.00003; TOPMed 0.00004.

Submissions (3):

Blueprint Genetics
Classification: Likely benign. Last evaluated: 2024-06-13. Review status: criteria provided, single submitter. Criteria: ACMG Guidelines, 2015. Collection method: clinical testing. Allele origin: germline.

Labcorp Genetics (formerly Invitae), Labcorp
Classification: Likely benign. Last evaluated: 2024-02-23. Review status: criteria provided, single submitter. Criteria: Invitae Variant Classification Sherloc (09022015). Collection method: clinical testing. Allele origin: germline.

GeneDx
Classification: Likely benign. Last evaluated: 2018-01-05. Review status: criteria provided, single submitter. Criteria: GeneDx Variant Classification (06012015). Collection method: clinical testing. Allele origin: germline. Affected: yes.
Comment: This variant is considered likely benign or benign based on one or more of the following criteria: it is a conservative change, it occurs at a poorly conserved position in the protein, it is predicted to be benign by multiple in silico algorithms, and/or has population frequency not consistent with disease.